The following is an entry in ClinVar:

ClinVar aggregate classification (germline): Benign (1 of 4 stars; one submission).

Conditions:
Leigh syndrome (NULS). Also called: Leigh's necrotizing encephalopathy; Leigh's disease; Leigh Syndrome (mtDNA deletion); Leigh Disease; Subacute necrotizing encephalopathy; Necrotizing encephalopathy infantile subacute of Leigh. Identifiers: Orphanet 506, MedGen C2931891, MONDO:0009723, OMIM 256000.

Submission:

Wong Mito Lab, Molecular and Human Genetics, Baylor College of Medicine
Classification: Benign for Leigh syndrome. Last evaluated: 2019-10-17. Review status: criteria provided, single submitter. Criteria: Modified ACMG Guidelines (Unpublished). Collection method: clinical testing. Allele origin: germline.
Comment: The NC_012920.1:m.12599T>C (YP_003024036.1:p.Met88Thr) variant in MTND5 gene is interpretated to be a Benign variant based on the modified ACMG guidelines (unpublished). This variant meets the following evidence codes: BS1, BS4, BP4

NC_012920.1(MT-ND5):m.12599T>C

Gene: MT-ND5 (mitochondrially encoded NADH dehydrogenase 5; plus strand).
Variant type: single nucleotide variant.
Genome position: chrM-12599-T-C.
Identifiers: ClinVar variation 693467 (VCV000693467.1), dbSNP rs1556424129, ClinGen allele CA414813946.
Genomic context (GRCh38, chrMT:12,599, plus strand): 5'-GAGCCACAACCCAAACAACCCAGCTCTCCCTAAGCTTCAAACTAGACTACTTCTCCATAA[T>C]ATTCATCCCTGTAGCATTGTTCGTTACATGGTCCATCATAGAATTCTCACTGTGATATAT-3'